The following is an entry in ClinVar:

ClinVar aggregate classification (germline): Uncertain significance (1 of 4 stars; one submission).

Conditions:
Familial temporal lobe epilepsy 7. Identifiers: Orphanet 101046, MedGen C4225327, MONDO:0014639, OMIM 616436.
Norman-Roberts syndrome (LIS2). Also called: Lissencephaly 2 (Norman-Roberts type). Identifiers: Orphanet 89844, MedGen C0796089, MONDO:0009760, OMIM 257320.

Allele frequency attached by ClinVar (database versions not stated): gnomAD exomes below 0.00001.
gnomAD v4.1: 1 of 1,614,240 alleles (0.000062%); no homozygotes.

Submission:

Labcorp Genetics (formerly Invitae), Labcorp
Classification: Uncertain significance for Familial temporal lobe epilepsy 7; Norman-Roberts syndrome. Last evaluated: 2022-07-11. Review status: criteria provided, single submitter. Criteria: Invitae Variant Classification Sherloc (09022015). Collection method: clinical testing. Allele origin: germline.
Comment: In summary, the available evidence is currently insufficient to determine the role of this variant in disease. Therefore, it has been classified as a Variant of Uncertain Significance. Algorithms developed to predict the effect of missense changes on protein structure and function are either unavailable or do not agree on the potential impact of this missense change (SIFT: "Deleterious"; PolyPhen-2: "Probably Damaging"; Align-GVGD: "Class C0"). ClinVar contains an entry for this variant (Variation ID: 1016228). This variant has not been reported in the literature in individuals affected with RELN-related conditions. This variant is present in population databases (no rsID available, gnomAD no frequency). This sequence change replaces glycine, which is neutral and non-polar, with aspartic acid, which is acidic and polar, at codon 2348 of the RELN protein (p.Gly2348Asp).

NM_005045.4(RELN):c.7043G>A (p.Gly2348Asp)

Gene: RELN (reelin; minus strand). Cytogenetic location: 7q22.1.
Variant type: single nucleotide variant.
Coding change: c.7043G>A on transcript NM_005045.4 (MANE Select); coding-DNA position 7043, G replaced by A.
Protein change: p.Gly2348Asp; replaces glycine 2348 with aspartic acid.
Molecular consequence: missense variant.
Genome position (GRCh38, 1-based): chr7:103,539,215, C>T on the plus strand (G>A on the coding strand, the complement: RELN is on the minus strand). VCF-style: chr7-103539215-C-T. GRCh37 (hg19) VCF-style: chr7-103179662-C-T.
Other names: c.7043G>A, p.Gly2348Asp (NM_173054.3); short protein forms G2348D.
Identifiers: ClinVar variation 1016228 (VCV001016228.10), dbSNP rs1226611405, ClinGen allele CA368769268.